The following is an entry in ClinVar:

NM_000545.8(HNF1A):c.802T>A (p.Phe268Ile)

Gene: HNF1A (HNF1 homeobox A; plus strand). Cytogenetic location: 12q24.31.
Variant type: single nucleotide variant.
Coding change: c.802T>A on transcript NM_000545.8 (MANE Select); coding-DNA position 802, T replaced by A.
Protein change: p.Phe268Ile; replaces phenylalanine 268 with isoleucine.
Molecular consequence: missense variant.
Genome position (GRCh38, 1-based): chr12:120,994,252, T>A. VCF-style: chr12-120994252-T-A. GRCh37 (hg19) VCF-style: chr12-121432055-T-A.
Other names: NM_001306179.2:c.802T>A; c.802T>A, p.Phe268Ile (NM_001306179.2); short protein forms F268I.
Identifiers: ClinVar variation 1327611 (VCV001327611.4), dbSNP rs2135841769, ClinGen allele CA386966268.

ClinVar aggregate classification (germline): Likely pathogenic (3 of 4 stars; one submission).

Conditions:
Monogenic diabetes. Identifiers: Orphanet 183625, MedGen C3888631, MONDO:0015967.

Submission:

ClinGen Monogenic Diabetes Variant Curation Expert Panel
Classification: Likely pathogenic for Monogenic diabetes. Last evaluated: 2025-08-05. Review status: reviewed by expert panel. Criteria: ClinGen Diabetes ACMG Specifications HNF1A V3.0.0. Collection method: curation. Allele origin: germline. Inheritance: Autosomal dominant inheritance.
Comment: The c.802T>A variant in the HNF1 homeobox A gene, HNF1A, causes an amino acid change of phenylalanine to isoleucine at codon 268 (p.(Phe268Ile)) of NM_000545.8. This variant is located within the DNA binding domain of HNF1A (codons 201-280), which is defined as critical for the protein’s function by the ClinGen MDEP (PM1_Supporting), and is predicted to be deleterious by computational evidence, with a REVEL score of 0.962, which is greater than the MDEP threshold of 0.70 (PP3). This variant is absent in gnomAD v2.1.1 and v4.1.0 (PM2_Supporting). This variant was detected in an individual with a clinical history highly specific for HNF1A-MODY (MODY probability calculator result >50%, negative genetic testing for HNF4A, and negative antibodies) (PP4_Moderate; PMID: 32531870). However, PS4_Moderate cannot be applied because this number is below the ClinGen MDEP threshold (PMID: 32531870). This variant segregated with diabetes with one informative meioses in a single family; however, this does not meet the thresholds for PP1 set by the ClinGen MDEP (PMID: 27236918, PMID: 32531870). Another missense variant, c.803T>C (p.Phe268Ser), has been classified as likely pathogenic by the ClinGen MDEP (PM5_Supporting). In summary, the evidence supports the classification of c.802T>A as likely pathogenic for monogenic diabetes. ACMG/AMP criteria applied, as specified by the ClinGen MDEP VCEP (specification version 3.0.0, approved 6/30/2025): PP4_Moderate, PP3, PM1_Supporting, PM2_Supporting, PM5_Supporting.

Literature cited by the submitters: PubMed 32531870.